The following is an entry in ClinVar:

NM_001376571.1(MADD):c.2265G>T (p.Gln755His)

Gene: MADD (MAP kinase activating death domain; plus strand). Cytogenetic location: 11p11.2.
Variant type: single nucleotide variant.
Coding change: c.2265G>T on transcript NM_001376571.1 (MANE Select); coding-DNA position 2265, G replaced by T.
Protein change: p.Gln755His; replaces glutamine 755 with histidine.
Molecular consequence: missense variant. On other transcripts: non-coding transcript variant (8).
Genome position (GRCh38, 1-based): chr11:47,285,048, G>T. VCF-style: chr11-47285048-G-T. GRCh37 (hg19) VCF-style: chr11-47306599-G-T.
Other names: c.2265G>T, p.Gln755His (NM_001135943.2, NM_001135944.2, NM_001376572.1 and 79 more transcripts); c.2241G>T, p.Gln747His (NM_001376602.1); c.2061G>T, p.Gln687His (NM_001376620.1, NM_001376626.1, NM_001376627.1 and 9 more transcripts); c.1599G>T, p.Gln533His (NM_001376663.1); short protein forms Q533H, Q755H, Q747H, Q687H.
Identifiers: ClinVar variation 2387380 (VCV002387380.6), dbSNP rs199538960, ClinGen allele CA5974398.
Genomic context (GRCh38, chr11:47,285,048, plus strand): 5'-CTCCAAGCCCCTCCCTTCCGTGCCTCCCAGCATTGGCAAATCGAACGTGGACAGACGTCA[G>T]GCAGAAATTGGAGAGGGGTCAGTGCGCCGGCGAATCTATGACAATCCATACTTCGAGCCC-3'
Protein context (NP_001363500.1, residues 745-765): SIGKSNVDRR[Gln755His]AEIGEGSVRR

ClinVar aggregate classification (germline): Uncertain significance. Review status: criteria provided, multiple submitters, no conflicts (2 of 4 stars). 2 submissions from 2 submitters: Uncertain significance (2). Last evaluated 2025-07-10.

Conditions:
Inborn genetic diseases. Identifiers: MedGen C0950123, MeSH D030342.

Allele frequency attached by ClinVar (database versions not stated): gnomAD 0.00004; TOPMed 0.00004; ExAC 0.00010; gnomAD exomes 0.00013; ESP Exome Variant Server 0.00015.
gnomAD v4.1: 198 of 1,614,038 alleles (0.012%); highest among the groups gnomAD compares: Non-Finnish European, 0.015%; 1 homozygote.

Submissions (2):

GeneDx
Classification: Uncertain significance. Last evaluated: 2025-07-10. Review status: criteria provided, single submitter. Criteria: GeneDx Variant Classification Process June 2021. Collection method: clinical testing. Allele origin: germline. Affected: yes.
Comment: In silico analysis suggests that this missense variant does not alter protein structure/function; Has not been previously published as pathogenic or benign to our knowledge

Ambry Genetics
Classification: Uncertain significance for Inborn genetic diseases. Last evaluated: 2021-06-11. Review status: criteria provided, single submitter. Criteria: Ambry Variant Classification Scheme 2023. Collection method: clinical testing. Allele origin: germline.